The following is an entry in ClinVar:

ClinVar aggregate classification (germline): Uncertain significance (1 of 4 stars; one submission).

Submission:

Labcorp Genetics (formerly Invitae), Labcorp
Classification: Uncertain significance. Last evaluated: 2024-09-25. Review status: criteria provided, single submitter. Criteria: Invitae Variant Classification Sherloc (09022015). Collection method: clinical testing. Allele origin: germline.
Comment: This sequence change replaces glycine, which is neutral and non-polar, with cysteine, which is neutral and slightly polar, at codon 388 of the CSF1R protein (p.Gly388Cys). This variant is not present in population databases (gnomAD no frequency). This variant has not been reported in the literature in individuals affected with CSF1R-related conditions. Invitae Evidence Modeling of protein sequence and biophysical properties (such as structural, functional, and spatial information, amino acid conservation, physicochemical variation, residue mobility, and thermodynamic stability) indicates that this missense variant is not expected to disrupt CSF1R protein function with a negative predictive value of 95%. In summary, the available evidence is currently insufficient to determine the role of this variant in disease. Therefore, it has been classified as a Variant of Uncertain Significance.

NM_001288705.3(CSF1R):c.1162G>T (p.Gly388Cys)

Gene: CSF1R (colony stimulating factor 1 receptor; minus strand). Cytogenetic location: 5q32.
Variant type: single nucleotide variant.
Coding change: c.1162G>T on transcript NM_001288705.3 (MANE Select); coding-DNA position 1162, G replaced by T.
Protein change: p.Gly388Cys; replaces glycine 388 with cysteine.
Molecular consequence: missense variant. On other transcripts: non-coding transcript variant (2).
Genome position (GRCh38, 1-based): chr5:150,070,492, C>A on the plus strand (G>T on the coding strand, the complement: CSF1R is on the minus strand). VCF-style: chr5-150070492-C-A. GRCh37 (hg19) VCF-style: chr5-149450055-C-A.
Other names: c.1162G>T, p.Gly388Cys (NM_001349736.2, NM_001375320.1, NM_005211.4); c.718G>T, p.Gly240Cys (NM_001375321.1); short protein forms G240C, G388C.
Identifiers: ClinVar variation 3635552 (VCV003635552.2).